The following is an entry in ClinVar:

ClinVar aggregate classification (germline): Pathogenic/Likely pathogenic. Review status: criteria provided, multiple submitters, no conflicts (2 of 4 stars). 7 submissions from 7 submitters: Pathogenic (6); Likely pathogenic (1). Last evaluated 2026-10-01.

Conditions:
CACNA1F-related disorder. Also called: CACNA1F-related condition.
X-linked CACNA1F-related disorders.
Aland island eye disease (AIED). Also called: Forsius Eriksson type ocular albinism. Identifiers: Orphanet 178333, MedGen C0268505, MONDO:0010371, OMIM 300600.
X-linked cone-rod dystrophy 3 (CORDX3). Identifiers: Orphanet 1872, MedGen C1845407, MONDO:0010335, OMIM 300476.
Congenital stationary night blindness 2A (CSNB2A). Also called: Night blindness, congenital stationary (incomplete), 2A, X-linked; NIGHT BLINDNESS, CONGENITAL STATIONARY, TYPE 2; CACNA1F-Related X-Linked Congenital Stationary Night Blindness; CSNB, INCOMPLETE, X-LINKED. Identifiers: Orphanet 215, MedGen C1848172, MONDO:0010241, OMIM 300071.

Allele frequency attached by ClinVar (database versions not stated): gnomAD exomes below 0.00001 and 0.00001.
gnomAD v4.1: 3 of 1,202,122 alleles (0.00025%); highest among the groups gnomAD compares: Non-Finnish European, 0.00034%; no homozygotes.

Submissions (7):

GeneDx
Classification: Likely pathogenic. Last evaluated: 2026-10-01. Review status: criteria provided, single submitter. Criteria: GeneDx Variant Classification Process June 2021. Collection method: clinical testing. Allele origin: germline.
Comment: Canonical splice site variant predicted to result in a null allele in a gene for which loss of function is a known mechanism of disease; This variant is associated with the following publications: (PMID: 33668843, 22183355, 28838317, 30825406)

PreventionGenetics, part of Exact Sciences
Classification: Pathogenic for CACNA1F-related condition. Last evaluated: 2026-08-31. Review status: criteria provided, single submitter. Criteria: ACMG Guidelines, 2015. Collection method: clinical testing. Allele origin: germline.
Comment: The CACNA1F c.2576+1G>A variant is predicted to disrupt the GT donor site and interfere with normal splicing. This variant has been reported in multiple individuals with congenital stationary night blindness (Wang et al. 2017. PubMed ID: 28838317; Zeitz et al. 2019. PubMed ID: 30825406; Lodha et al. 2012. PubMed ID: 22183355; Leahy et al. 2021. PubMed ID: 33668843). This variant is present in 0.0014% of alleles in individuals of European (non-Finnish) descent in gnomAD. Variants that disrupt the consensus splice donor site in CACNA1F are an established mechanism of disesae. This variant is interpreted as pathogenic.

Variantyx, Inc.
Classification: Pathogenic for X-linked CACNA1F-related disorders. Last evaluated: 2025-09-03. Review status: criteria provided, single submitter. Criteria: Variantyx Assertion Criteria 2022. Collection method: clinical testing. Allele origin: maternal. Inheritance: X-linked inheritance.
Comment: This is a canonical splicing variant in the CACNA1F gene (OMIM: 300110). Pathogenic variants in this gene have been associated with X-linked CACNA1F-related disorders. This splicing variant is expected to result in loss of function, which is a known disease mechanism for CACNA1F in this disorder (PMID:22183355, 28838317, 30825406) (PVS1). This variant has been reported in at least 4 unrelated affected individuals (PMID: 22183355, 28838317, 30825406, 33668843) (PS4_Moderate) and has a 0.0004% maximum allele frequency in non-founder control populations (PM2). Based on the current evidence, this variant is classified as pathogenic for X-linked CACNA1F-related disorders.

Labcorp Genetics (formerly Invitae), Labcorp
Classification: Pathogenic. Last evaluated: 2025-03-14. Review status: criteria provided, single submitter. Criteria: Invitae Variant Classification Sherloc (09022015). Collection method: clinical testing. Allele origin: germline.
Comment: This sequence change affects a donor splice site in intron 20 of the CACNA1F gene. It is expected to disrupt RNA splicing. Variants that disrupt the donor or acceptor splice site typically lead to a loss of protein function (PMID: 16199547), and loss-of-function variants in CACNA1F are known to be pathogenic (PMID: 9662399, 11281458, 17525176, 22194652, 24124559, 26992781). This variant is not present in population databases (gnomAD no frequency). Disruption of this splice site has been observed in individuals with congenital stationary night blindness (PMID: 22183355, 28838317, 30825406). ClinVar contains an entry for this variant (Variation ID: 285396). Algorithms developed to predict the effect of sequence changes on RNA splicing suggest that this variant may disrupt the consensus splice site. For these reasons, this variant has been classified as Pathogenic.

Blueprint Genetics
Classification: Pathogenic for CACNA1F-related disorders. Last evaluated: 2024-11-11. Review status: criteria provided, single submitter. Criteria: ACMG Guidelines, 2015. Collection method: clinical testing. Allele origin: germline. Affected: yes. Observed: 5 variant alleles.

Fulgent Genetics
Classification: Pathogenic for Congenital stationary night blindness 2A; X-linked cone-rod dystrophy 3; Aland island eye disease. Last evaluated: 2021-09-10. Review status: criteria provided, single submitter. Criteria: ACMG Guidelines, 2015. Collection method: clinical testing. Allele origin: unknown.

Eurofins Ntd Llc (ga)
Classification: Pathogenic. Last evaluated: 2016-01-25. Review status: criteria provided, single submitter. Criteria: EGL Classification Definitions 2015. Collection method: clinical testing. Allele origin: germline. Observed: 3 variant alleles, 1 heterozygote, 2 hemizygotes.

Literature cited by the submitters: PubMed 22183355 (cited by 3 submitters); PubMed 28838317 (cited by Variantyx, Inc. and Labcorp Genetics (formerly Invitae), Labcorp); PubMed 30825406 (cited by Variantyx, Inc. and Labcorp Genetics (formerly Invitae), Labcorp); PubMed 33668843 (cited by Variantyx, Inc.); PubMed 16199547 (cited by Labcorp Genetics (formerly Invitae), Labcorp); PubMed 9662399 (cited by Labcorp Genetics (formerly Invitae), Labcorp); PubMed 11281458 (cited by Labcorp Genetics (formerly Invitae), Labcorp); PubMed 17525176 (cited by Labcorp Genetics (formerly Invitae), Labcorp); PubMed 22194652 (cited by Labcorp Genetics (formerly Invitae), Labcorp); PubMed 24124559 (cited by Labcorp Genetics (formerly Invitae), Labcorp); PubMed 26992781 (cited by Labcorp Genetics (formerly Invitae), Labcorp).

NM_001256789.3(CACNA1F):c.2543+1G>A

Gene: CACNA1F (calcium voltage-gated channel subunit alpha1 F; minus strand). Cytogenetic location: Xp11.23.
Variant type: single nucleotide variant.
Coding change: c.2543+1G>A on transcript NM_001256789.3 (MANE Select); the canonical splice donor site of the intron after coding-DNA position 2543, G replaced by A.
Molecular consequence: splice donor variant.
Genome position (GRCh38, 1-based): chrX:49,219,633, C>T on the plus strand (G>A on the coding strand, the complement: CACNA1F is on the minus strand). VCF-style: chrX-49219633-C-T. GRCh37 (hg19) VCF-style: chrX-49076092-C-T.
Other names: c.2576+1G>A (NM_005183.4); c.2381+1G>A (NM_001256790.3).
Identifiers: ClinVar variation 285396 (VCV000285396.24), dbSNP rs886044841, ClinGen allele CA10605098.
Genomic context (GRCh38, chrX:49,219,633, plus strand): 5'-CCATGCTCCTCCACCTGCCCTAGCCCCTCCTGCCTCACCCCCTGCCACTTCCGGCACTCA[C>T]GGGTTGGTTTGGCTGAGGCAGAAGAAGGCGCTGCCCTCAGGGATGGGTACCACCTTCTCC-3'